The following is an entry in ClinVar:

NM_002769.5(PRSS1):c.265A>T (p.Asn89Tyr)

Genes: TRB (T cell receptor beta locus; plus strand), PRSS1 (serine protease 1; plus strand). Cytogenetic location: 7q34.
Variant type: single nucleotide variant.
Coding change: c.265A>T on transcript NM_002769.5 (MANE Select); coding-DNA position 265, A replaced by T.
Protein change: p.Asn89Tyr; replaces asparagine 89 with tyrosine.
Molecular consequence: missense variant. On other transcripts: non-coding transcript variant (4).
Genome position (GRCh38, 1-based): chr7:142,751,838, A>T. VCF-style: chr7-142751838-A-T. GRCh37 (hg19) VCF-style: chr7-142459689-A-T.
Other names: short protein forms N89Y.
Identifiers: ClinVar variation 1692716 (VCV001692716.1), dbSNP rs755816580, ClinGen allele CA4529896.
Genomic context (GRCh38, chr7:142,751,838, plus strand): 5'-ATCCAGGTGAGACTGGGAGAGCACAACATCGAAGTCCTGGAGGGGAATGAGCAGTTCATC[A>T]ATGCAGCCAAGATCATCCGCCACCCCCAATACGACAGGAAGACTCTGAACAATGACATCA-3'
Protein context (NP_002760.1, residues 79-99): EVLEGNEQFI[Asn89Tyr]AAKIIRHPQY

ClinVar aggregate classification (germline): Uncertain significance (1 of 4 stars; one submission).

Conditions:
Hereditary pancreatitis (PCTT). Also called: Hereditary chronic pancreatitis; PRSS1-Related Hereditary Pancreatitis. Identifiers: Orphanet 676, MedGen C0238339, MONDO:0008185, OMIM 167800.

Allele frequency attached by ClinVar (database versions not stated): ExAC 0.00021.

Submission:

Sema4
Classification: Uncertain significance for Hereditary pancreatitis. Last evaluated: 2021-09-24. Review status: criteria provided, single submitter. Criteria: Sema4 Curation Guidelines. Collection method: curation. Allele origin: germline.
Comment: To the best of our knowledge, the PRSS1 c.265A>T (p.N89Y) variant has not been reported in individuals with PRSS1-related disease. This variant was observed in 105/21244 chromosomes in the African/African American population, with no homozygotes, according to the Genome Aggregation Database (PMID: 32461654). The variant has not been reported in ClinVar. In silico tools suggest the impact of the variant on protein function is inconclusive, though these predictions have not been confirmed by functional studies. The evidence is insufficient to meet ACMG/AMP criteria for classifying the variant as benign or pathogenic. Thus, the clinical significance of this variant is currently uncertain.